The following is an entry in ClinVar:

NM_001170629.2(CHD8):c.3519-2A>G

Gene: CHD8 (chromodomain helicase DNA binding protein 8; minus strand). Cytogenetic location: 14q11.2.
Variant type: single nucleotide variant.
Coding change: c.3519-2A>G on transcript NM_001170629.2 (MANE Select); the canonical splice acceptor site of the intron before coding-DNA position 3519, A replaced by G.
Molecular consequence: splice acceptor variant.
Genome position (GRCh38, 1-based): chr14:21,403,214, T>C on the plus strand (A>G on the coding strand, the complement: CHD8 is on the minus strand). VCF-style: chr14-21403214-T-C. GRCh37 (hg19) VCF-style: chr14-21871373-T-C.
Other names: NT3519, A-G, -2; c.2682-2A>G (NM_020920.4).
Identifiers: ClinVar variation 39628 (VCV000039628.7), dbSNP rs1594344233, ClinGen allele CA388900611.
Genomic context (GRCh38, chr14:21,403,214, plus strand): 5'-CAATGGCAGCCTGTCGAAGGTTGCCTCTAACTCGCCCATCAATACGTTCATATAAGTACC[T>C]GTATGGGAATCGCAGAAAAAAAATGTAAGTGGCTAAGCAGAAGTGGAGACCAAAACAGCA-3'

ClinVar aggregate classification (germline): Pathogenic. Review status: criteria provided, single submitter (1 of 4 stars). 3 submissions from 3 submitters: Pathogenic (1). 2 of the submissions do not count toward it. Last evaluated 2020-04-16.

Conditions:
Intellectual developmental disorder with autism and macrocephaly. Also called: CHD8-Related Neurodevelopmental Disorder with Overgrowth; Autism, susceptibility to, 18. Identifiers: Orphanet 642675, MedGen C3554373, MONDO:0014017, OMIM 615032.
Autism spectrum disorder. Also called: Autism spectrum disorders. Identifiers: MedGen C1510586, MeSH D000067877, MONDO:0005258.

Submissions (3):

GeneDx
Classification: Pathogenic. Last evaluated: 2020-04-16. Review status: criteria provided, single submitter. Criteria: GeneDx Variant Classification Process June 2021. Collection method: clinical testing. Allele origin: germline. Affected: yes.
Comment: Identified as a de novo variant in association with autism but limited additional clinical information is available (O'Roak et al., 2012; Iossifov et al., 2014; Guo et al., 2019); Canonical splice site variant in a gene for which loss-of-function is a known mechanism of disease; Not observed in large population cohorts (Lek et al., 2016) This variant is associated with the following publications: (PMID: 31981491, 28714951, 31332282, 30504930, 24998929, 23160955, 25363768, 28191890)

OMIM
Classification: Pathogenic for INTELLECTUAL DEVELOPMENTAL DISORDER WITH AUTISM AND MACROCEPHALY. Last evaluated: 2012-12-21. Review status: no assertion criteria provided. Collection method: literature only. Allele origin: germline. Not counted in ClinVar's aggregate classification.

University of Washington Center for Mendelian Genomics, University of Washington
Classification: Likely pathogenic for Autism spectrum disorder. Review status: no assertion criteria provided. Collection method: research. Allele origin: de novo. Affected: yes. Not counted in ClinVar's aggregate classification.

Literature cited by the submitters: PubMed 23160955 (cited by OMIM); PubMed 30504930 (cited by University of Washington Center for Mendelian Genomics, University of Washington).